The following is an entry in ClinVar:

NM_017696.3(MCM9):c.1150+16A>G

Gene: MCM9 (minichromosome maintenance 9 homologous recombination repair factor; minus strand). Cytogenetic location: 6q22.31.
Variant type: single nucleotide variant.
Coding change: c.1150+16A>G on transcript NM_017696.3 (MANE Select); 16 bases into the intron after coding-DNA position 1150, A replaced by G.
Molecular consequence: intron variant. On other transcripts: missense variant (7), non-coding transcript variant (1).
Genome position (GRCh38, 1-based): chr6:118,911,634, T>C on the plus strand (A>G on the coding strand, the complement: MCM9 is on the minus strand). VCF-style: chr6-118911634-T-C. GRCh37 (hg19) VCF-style: chr6-119232799-T-C.
Other names: c.1166A>G, p.Asn389Ser (NM_001378358.1, NM_153255.5); c.968A>G, p.Asn323Ser (NM_001378361.1, NM_001378362.1, NM_001378363.1); c.1040A>G, p.Asn347Ser (NM_001378368.1); c.842A>G, p.Asn281Ser (NM_001378370.1); c.1024+16A>G (NM_001378366.1); c.1150+16A>G (NM_001378364.1, NM_001378360.1, NM_001378356.1 and 3 more transcripts); c.952+16A>G (NM_001378367.1); short protein forms N281S, N323S, N347S, N389S.
Identifiers: ClinVar variation 3056676 (VCV003056676.2), dbSNP rs76967739, ClinGen allele CA3978515.

ClinVar aggregate classification (germline): Benign (0 of 4 stars; one submission).

Conditions:
MCM9-related disorder. Also called: MCM9-related condition.

Allele frequency attached by ClinVar (database versions not stated): gnomAD exomes 0.00170; ExAC 0.00564; 1000 Genomes Project 30x 0.01577; 1000 Genomes Project 0.01617; gnomAD 0.01697; TOPMed 0.01952; ESP Exome Variant Server 0.01999.
gnomAD v4.1: 5,100 of 1,596,336 alleles (0.32%); highest among the groups gnomAD compares: African/African-American, 6.1%; 137 homozygotes.

Submission:

PreventionGenetics, part of Exact Sciences
Classification: Benign for MCM9-related condition. Last evaluated: 2019-05-16. Review status: no assertion criteria provided. Collection method: clinical testing. Allele origin: germline.
Comment: This variant is classified as benign based on ACMG/AMP sequence variant interpretation guidelines (Richards et al. 2015 PMID: 25741868, with internal and published modifications).